The following is an entry in ClinVar:

ClinVar aggregate classification (germline): Uncertain significance (1 of 4 stars; one submission).

Submission:

GeneDx
Classification: Uncertain significance. Last evaluated: 2020-01-27. Review status: criteria provided, single submitter. Criteria: GeneDx Variant Classification Process June 2021. Collection method: clinical testing. Allele origin: germline. Affected: yes.
Comment: Not observed in large population cohorts (Lek et al., 2016); In silico analysis, which includes protein predictors and evolutionary conservation, supports a deleterious effect; This variant is associated with the following publications: (PMID: 22787013, 30170228, 24025405, 24136861, 19926015)

NM_001035.3(RYR2):c.14414A>G (p.Lys4805Arg)

Gene: RYR2 (ryanodine receptor 2; plus strand). Cytogenetic location: 1q43.
Variant type: single nucleotide variant.
Coding change: c.14414A>G on transcript NM_001035.3 (MANE Select); coding-DNA position 14414, A replaced by G.
Protein change: p.Lys4805Arg; replaces lysine 4805 with arginine.
Molecular consequence: missense variant.
Genome position (GRCh38, 1-based): chr1:237,809,016, A>G. VCF-style: chr1-237809016-A-G. GRCh37 (hg19) VCF-style: chr1-237972316-A-G.
Other names: short protein forms K4805R.
Identifiers: ClinVar variation 1320986 (VCV001320986.2), dbSNP rs1343071356, ClinGen allele CA345424512.